The following is an entry in ClinVar:

NM_004937.3(CTNS):c.140+1G>T

Gene: CTNS (cystinosin, lysosomal cystine transporter; plus strand). Cytogenetic location: 17p13.2.
Variant type: single nucleotide variant.
Coding change: c.140+1G>T on transcript NM_004937.3 (MANE Select); the canonical splice donor site of the intron after coding-DNA position 140, G replaced by T.
Molecular consequence: splice donor variant. On other transcripts: intron variant (1).
Genome position (GRCh38, 1-based): chr17:3,647,523, G>T. VCF-style: chr17-3647523-G-T. GRCh37 (hg19) VCF-style: chr17-3550817-G-T.
Other names: c.140+1G>T (NM_001031681.3, NM_001374492.1); c.-217+1G>T (NM_001374493.1, NM_001374496.1); c.-217+7256G>T (NM_001374495.1); c.-302+1G>T (NM_001374494.1).
Identifiers: ClinVar variation 666181 (VCV000666181.10), dbSNP rs1567701415, ClinGen allele CA397687213.
Genomic context (GRCh38, chr17:3,647,523, plus strand): 5'-TGTTCCTCCTGTCGTAAAGCTGGAGAACGGCAGCTCGACCAACGTCAGCCTCACCCTGCG[G>T]TAAGTTCCTGGGCCTGGCGCTGTGCTCAGCTCCGCTCAGGCCCCGCAGCTGGGTCAGGGC-3'

ClinVar aggregate classification (germline): Pathogenic/Likely pathogenic. Review status: criteria provided, multiple submitters, no conflicts (2 of 4 stars). 2 submissions from 2 submitters: Pathogenic (1); Likely pathogenic (1). Last evaluated 2024-02-07.

Conditions:
Ocular cystinosis. Also called: Non-Nephropathic Cystinosis; Non-Nephropathic (Ocular) Cystinosis. Identifiers: Orphanet 213, Orphanet 411641, MedGen C2931013, MONDO:0009064, OMIM 219750.
Juvenile nephropathic cystinosis. Also called: Intermediate Cystinosis; CYSTINOSIS, LATE-ONSET JUVENILE OR ADOLESCENT NEPHROPATHIC TYPE; Later-Onset (Juvenile) Cystinosis. Identifiers: Orphanet 213, Orphanet 411634, MedGen C0268626, MONDO:0009066, OMIM 219900.
Nephropathic cystinosis (CTNS). Also called: CYSTINOSIN, DEFECT OF; LYSOSOMAL CYSTINE TRANSPORT PROTEIN, DEFECT OF; Abderhalden Lignac Kaufmann disease; Abderhalden-Kaufmann-Lignac syndrome. Identifiers: Orphanet 213, Orphanet 411629, MedGen C2931187, MONDO:0100151, OMIM 219800.
Inborn genetic diseases. Identifiers: MedGen C0950123, MeSH D030342.

Allele frequency attached by ClinVar (database versions not stated): gnomAD exomes below 0.00001.
gnomAD v4.1: 5 of 1,613,952 alleles (0.00031%); highest among the groups gnomAD compares: Non-Finnish European, 0.00034%; no homozygotes.

Submissions (2):

Fulgent Genetics
Classification: Likely pathogenic for Ocular cystinosis; Nephropathic cystinosis; Juvenile nephropathic cystinosis. Last evaluated: 2024-02-07. Review status: criteria provided, single submitter. Criteria: ACMG Guidelines, 2015. Collection method: clinical testing. Allele origin: germline.

Labcorp Genetics (formerly Invitae), Labcorp
Classification: Pathogenic for Inborn genetic diseases; Ocular cystinosis; Juvenile nephropathic cystinosis. Last evaluated: 2021-12-01. Review status: criteria provided, single submitter. Criteria: Invitae Variant Classification Sherloc (09022015). Collection method: clinical testing. Allele origin: germline.
Comment: This sequence change affects a donor splice site in intron 4 of the CTNS gene. It is expected to disrupt RNA splicing. Variants that disrupt the donor or acceptor splice site typically lead to a loss of protein function (PMID: 16199547), and loss-of-function variants in CTNS are known to be pathogenic (PMID: 9537412, 27102039). This variant is present in population databases (no rsID available, gnomAD 0.0009%). Disruption of this splice site has been observed in individual(s) with cystinosis (PMID: 9537412). In at least one individual the data is consistent with being in trans (on the opposite chromosome) from a pathogenic variant. ClinVar contains an entry for this variant (Variation ID: 666181). Algorithms developed to predict the effect of sequence changes on RNA splicing suggest that this variant may disrupt the consensus splice site. For these reasons, this variant has been classified as Pathogenic.

Literature cited by the submitters: PubMed 16199547 (cited by Labcorp Genetics (formerly Invitae), Labcorp); PubMed 9537412 (cited by Labcorp Genetics (formerly Invitae), Labcorp); PubMed 27102039 (cited by Labcorp Genetics (formerly Invitae), Labcorp).